The following is an entry in ClinVar:

NM_003119.4(SPG7):c.759-5G>A

Gene: SPG7 (SPG7 matrix AAA peptidase subunit, paraplegin; plus strand). Cytogenetic location: 16q24.3.
Variant type: single nucleotide variant.
Coding change: c.759-5G>A on transcript NM_003119.4 (MANE Select); 5 bases into the intron before coding-DNA position 759, G replaced by A.
Molecular consequence: intron variant.
Genome position (GRCh38, 1-based): chr16:89,529,472, G>A. VCF-style: chr16-89529472-G-A. GRCh37 (hg19) VCF-style: chr16-89595880-G-A.
Other names: c.759-5G>A (NM_001363850.1, NM_199367.3).
Identifiers: ClinVar variation 2077057 (VCV002077057.6), dbSNP rs376467458, ClinGen allele CA286541587.
Genomic context (GRCh38, chr16:89,529,472, plus strand): 5'-TTGGAAGCCTGCGTCTGTCACGTGACACCGTCTGAGCCTGTGCCTGCCTCTCTTTCTTCC[G>A]GCAGTGCCCTGTACTCTGTGGGGATGACGGCAGTGGGCCTGGCCATCCTGTGGTATGTTT-3'

ClinVar aggregate classification (germline): Uncertain significance. Review status: criteria provided, multiple submitters, no conflicts (2 of 4 stars). 2 submissions from 2 submitters: Uncertain significance (2). Last evaluated 2026-10-08.

Conditions:
Hereditary spastic paraplegia 7 (SPG7). Also called: Spastic paraplegia 7; Hereditary spastic paraplegia Paraplegin type; SPASTIC PARAPLEGIA 7, AUTOSOMAL RECESSIVE, WITH OR WITHOUT CEREBELLAR ATAXIA; SPG7-related neurologic disorder; Autosomal recessive spastic paraplegia type 7. Identifiers: Orphanet 99013, MedGen C1846564, MONDO:0011803, OMIM 607259.

Allele frequency attached by ClinVar (database versions not stated): ESP Exome Variant Server 0.00008.
gnomAD v4.1: 121 of 1,607,114 alleles (0.0075%); highest among the groups gnomAD compares: Non-Finnish European, 0.0091%; no homozygotes.

Submissions (2):

GeneDx
Classification: Uncertain significance. Last evaluated: 2026-10-08. Review status: criteria provided, single submitter. Criteria: GeneDx Variant Classification Process June 2021. Collection method: clinical testing. Allele origin: germline.
Comment: Has not been previously published as pathogenic or benign to our knowledge; In silico analysis supports a deleterious effect on splicing

Labcorp Genetics (formerly Invitae), Labcorp
Classification: Uncertain significance for Hereditary spastic paraplegia 7. Last evaluated: 2025-09-20. Review status: criteria provided, single submitter. Criteria: Invitae Variant Classification Sherloc (09022015). Collection method: clinical testing. Allele origin: germline.
Comment: This sequence change falls in intron 5 of the SPG7 gene. It does not directly change the encoded amino acid sequence of the SPG7 protein. This variant is present in population databases (rs376467458, gnomAD 0.004%). This variant has not been reported in the literature in individuals affected with SPG7-related conditions. ClinVar contains an entry for this variant (Variation ID: 2077057). Algorithms developed to predict the effect of sequence changes on RNA splicing suggest that this variant may create or strengthen a splice site. In summary, the available evidence is currently insufficient to determine the role of this variant in disease. Therefore, it has been classified as a Variant of Uncertain Significance.